The following is an entry in ClinVar:

NM_145290.4(ADGRA3):c.2431G>T (p.Val811Phe)

Gene: ADGRA3 (adhesion G protein-coupled receptor A3; minus strand). Cytogenetic location: 4p15.2.
Variant type: single nucleotide variant.
Coding change: c.2431G>T on transcript NM_145290.4 (MANE Select); coding-DNA position 2431, G replaced by T.
Protein change: p.Val811Phe; replaces valine 811 with phenylalanine.
Molecular consequence: missense variant.
Genome position (GRCh38, 1-based): chr4:22,401,481, C>A on the plus strand (G>T on the coding strand, the complement: ADGRA3 is on the minus strand). VCF-style: chr4-22401481-C-A. GRCh37 (hg19) VCF-style: chr4-22403104-C-A.
Other names: short protein forms V811F.
Identifiers: ClinVar variation 1377597 (VCV001377597.6), dbSNP rs755799959, ClinGen allele CA2873639.

ClinVar aggregate classification (germline): Uncertain significance (1 of 4 stars; one submission).

Allele frequency attached by ClinVar (database versions not stated): gnomAD exomes below 0.00001; TOPMed below 0.00001; ExAC 0.00001.
gnomAD v4.1: 4 of 1,612,016 alleles (0.00025%); highest among the groups gnomAD compares: East Asian, 0.0067%; no homozygotes.

Submission:

Labcorp Genetics (formerly Invitae), Labcorp
Classification: Uncertain significance. Last evaluated: 2022-10-17. Review status: criteria provided, single submitter. Criteria: Invitae Variant Classification Sherloc (09022015). Collection method: clinical testing. Allele origin: germline.
Comment: In summary, the available evidence is currently insufficient to determine the role of this variant in disease. Therefore, it has been classified as a Variant of Uncertain Significance. Algorithms developed to predict the effect of missense changes on protein structure and function are either unavailable or do not agree on the potential impact of this missense change (SIFT: "Deleterious"; PolyPhen-2: "Possibly Damaging"; Align-GVGD: "Class C0"). ClinVar contains an entry for this variant (Variation ID: 1377597). This variant has not been reported in the literature in individuals affected with ADGRA3-related conditions. This variant is present in population databases (rs755799959, gnomAD 0.006%). This sequence change replaces valine, which is neutral and non-polar, with phenylalanine, which is neutral and non-polar, at codon 811 of the ADGRA3 protein (p.Val811Phe).